The following is an entry in ClinVar:

NC_000019.9:g.(?_4090596)_(4102471_?)del

Gene: MAP2K2 (mitogen-activated protein kinase kinase 2; minus strand). Cytogenetic location: 19p13.3.
Variant type: Deletion.
Identifiers: ClinVar variation 1448682 (VCV001448682.4).

ClinVar aggregate classification (germline): Uncertain significance (1 of 4 stars; one submission).

Conditions:
RASopathy. Also called: Noonan spectrum disorder; rasopathies. Identifiers: Orphanet 536391, MedGen C5555857, MONDO:0021060.

Submission:

Labcorp Genetics (formerly Invitae), Labcorp
Classification: Uncertain significance for RASopathy. Last evaluated: 2023-11-13. Review status: criteria provided, single submitter. Criteria: Invitae Variant Classification Sherloc (09022015). Collection method: clinical testing. Allele origin: germline.
Comment: This variant is a gross deletion of the genomic region encompassing exon(s) 4-11 of the MAP2K2 gene, which includes the termination codon. This deletion extends beyond the assayed region for this gene and therefore may encompass additional genes. While this deletion is not anticipated to lead to nonsense mediated decay, it is expected to alter mRNA translation or result in a truncated protein product. This variant has not been reported in the literature in individuals affected with MAP2K2-related conditions. In summary, the available evidence is currently insufficient to determine the role of this variant in disease. Therefore, it has been classified as a Variant of Uncertain Significance.